The following is an entry in ClinVar:

NM_000059.4(BRCA2):c.2648_2650delinsCC (p.Phe883fs)

Gene: BRCA2 (BRCA2 DNA repair associated; plus strand). Cytogenetic location: 13q13.1.
Variant type: Indel.
Coding change: c.2648_2650delinsCC on transcript NM_000059.4 (MANE Select); coding-DNA positions 2648 to 2650, TCT replaced by CC.
Protein change: p.Phe883fs; shifts the reading frame from phenylalanine 883.
Molecular consequence: frameshift variant. On other transcripts: non-coding transcript variant (1), intron variant (2).
Genome position (GRCh38, 1-based): chr13:32,337,003-32,337,005, TCT replaced by CC. VCF-style: chr13-32337003-TCT-CC. GRCh37 (hg19) VCF-style: chr13-32911140-TCT-CC.
Other names: c.2648_2650delinsCC, p.Phe883fs (NM_001406719.1, NM_001406720.1); c.1909+3616_1909+3618delinsCC (NM_001406721.1); c.424+5973_424+5975delinsCC (NM_001406722.1); short protein forms F883fs.
Identifiers: ClinVar variation 2583859 (VCV002583859.2), dbSNP rs2548524406, ClinGen allele CA2582341839.

ClinVar aggregate classification (germline): Pathogenic (1 of 4 stars; one submission).

Conditions:
Breast-ovarian cancer, familial, susceptibility to, 2 (BROVCA2). Also called: BRCA2 Hereditary Breast and Ovarian Cancer. Identifiers: Orphanet 145, MedGen C2675520, MONDO:0012933, OMIM 612555. Disease mechanism: loss of function.

Submission:

Myriad Genetics, Inc.
Classification: Pathogenic for Breast-ovarian cancer, familial, susceptibility to, 2. Last evaluated: 2023-06-28. Review status: criteria provided, single submitter. Criteria: Myriad Autosomal Dominant, Autosomal Recessive and X-Linked Classification Criteria (2023). Collection method: clinical testing. Allele origin: unknown.
Comment: This variant is considered pathogenic. This variant creates a frameshift predicted to result in premature protein truncation.